The following is an entry in ClinVar:

ClinVar aggregate classification (germline): Likely benign (1 of 4 stars; one submission).

Allele frequency attached by ClinVar (database versions not stated): TOPMed 0.00006; gnomAD 0.00007; 1000 Genomes Project 0.00040; 1000 Genomes Project 30x 0.00047.
gnomAD v4.1: 125 of 1,614,174 alleles (0.0077%); highest among the groups gnomAD compares: South Asian, 0.014%; no homozygotes.

Submission:

CeGaT Center for Human Genetics Tuebingen
Classification: Likely benign. Last evaluated: 2023-03-01. Review status: criteria provided, single submitter. Criteria: CeGaT Center For Human Genetics Tuebingen Variant Classification Criteria Version 2. Collection method: clinical testing. Allele origin: germline. Affected: yes. Observed: 1 variant allele.
Comment: ADARB1: BP4, BP7

NM_001112.4(ADARB1):c.759C>T (p.Ser253=)

Gene: ADARB1 (adenosine deaminase RNA specific B1; plus strand). Cytogenetic location: 21q22.3.
Variant type: single nucleotide variant.
Coding change: c.759C>T on transcript NM_001112.4 (MANE Select); coding-DNA position 759, C replaced by T.
Protein change: p.Ser253=; no amino-acid change (serine 253 retained).
Molecular consequence: synonymous variant. On other transcripts: non-coding transcript variant (4).
Genome position (GRCh38, 1-based): chr21:45,176,460, C>T. VCF-style: chr21-45176460-C-T. GRCh37 (hg19) VCF-style: chr21-46596375-C-T.
Other names: c.759C>T, p.Ser253= (NM_001160230.2, NM_001346688.2, NM_015833.4 and 1 more transcripts); c.906C>T, p.Ser302= (NM_001346687.2, NM_001410722.1).
Identifiers: ClinVar variation 2652785 (VCV002652785.24), dbSNP rs200567642, ClinGen allele CA10064178.